The following is an entry in ClinVar:

NM_000179.3(MSH6):c.3334G>A (p.Asp1112Asn)

Gene: MSH6 (mutS homolog 6; plus strand). Cytogenetic location: 2p16.3.
Variant type: single nucleotide variant.
Coding change: c.3334G>A on transcript NM_000179.3 (MANE Select); coding-DNA position 3334, G replaced by A.
Protein change: p.Asp1112Asn; replaces aspartic acid 1112 with asparagine.
Molecular consequence: missense variant.
Genome position (GRCh38, 1-based): chr2:47,803,581, G>A. VCF-style: chr2-47803581-G-A. GRCh37 (hg19) VCF-style: chr2-48030720-G-A.
Other names: c.2944G>A, p.Asp982Asn (NM_001281492.2); c.2428G>A, p.Asp810Asn (NM_001281493.2, NM_001281494.2); short protein forms D1112N, D982N, D810N.
Identifiers: ClinVar variation 220784 (VCV000220784.55), dbSNP rs773955368, ClinGen allele CA070677.
Genomic context (GRCh38, chr2:47,803,581, plus strand): 5'-AAAGGATCACGCCATCCTTGCATTACGAAGACTTTTTTTGGAGATGATTTTATTCCTAAT[G>A]ACATTCTAATAGGCTGTGAGGAAGAGGAGCAGGAAAATGGCAAAGCCTATTGTGTGCTTG-3'
Protein context (NP_000170.1, residues 1102-1122): TFFGDDFIPN[Asp1112Asn]ILIGCEEEEQ

ClinVar aggregate classification (germline): Conflicting classifications of pathogenicity. Review status: criteria provided, conflicting classifications (1 of 4 stars). 18 submissions from 18 submitters: Uncertain significance (15); Likely benign (2). 1 of the submissions does not count toward it. Last evaluated 2026-01-19.

Conditions:
MSH6-related disorder. Also called: MSH6-related condition; MSH6-Related disorders.
Hereditary nonpolyposis colorectal neoplasms. Identifiers: MedGen C0009405, MeSH D003123.
Hereditary cancer-predisposing syndrome. Also called: Neoplastic Syndromes, Hereditary; Hereditary Cancer Syndrome; Tumor predisposition; Hereditary neoplastic syndrome. Identifiers: Orphanet 140162, MedGen C0027672, MeSH D009386, MONDO:0015356.
Lynch syndrome 5 (LYNCH5). Also called: Colorectal cancer, hereditary nonpolyposis, type 5; Hereditary non-polyposis colorectal cancer, type 5. Identifiers: Orphanet 144, MedGen C1833477, MONDO:0013710, OMIM 614350. Disease mechanism: loss of function.
Breast-ovarian cancer, familial, susceptibility to, 1 (BROVCA1). Also called: OVARIAN CANCER, SUSCEPTIBILITY TO; BRCA1 Hereditary Breast and Ovarian Cancer. Identifiers: Orphanet 145, MedGen C2676676, MONDO:0011450, OMIM 604370. Disease mechanism: loss of function.
Endometrial carcinoma. Also called: Endometrial carcinoma, somatic. Identifiers: MedGen C0476089, MONDO:0002447, OMIM 608089, HP:0012114.

Allele frequency attached by ClinVar (database versions not stated): gnomAD 0.00001; ExAC 0.00003; gnomAD exomes 0.00003 and 0.00005; TOPMed 0.00005.
gnomAD v4.1: 76 of 1,613,996 alleles (0.0047%); highest among the groups gnomAD compares: Non-Finnish European, 0.0057%; no homozygotes.

Submissions 1 to 12 of 18:

Labcorp Genetics (formerly Invitae), Labcorp
Classification: Likely benign for Hereditary nonpolyposis colorectal neoplasms. Last evaluated: 2026-01-19. Review status: criteria provided, single submitter. Criteria: Invitae Variant Classification Sherloc (09022015). Collection method: clinical testing. Allele origin: germline.

Institute of Immunology and Genetics Kaiserslautern
Classification: Uncertain significance for Breast-ovarian cancer, familial, susceptibility to, 1. Last evaluated: 2025-07-29. Review status: criteria provided, single submitter. Criteria: ACMG Guidelines, 2015. Collection method: clinical testing. Allele origin: germline. Affected: yes.
Comment: ACMG Criteria: PM2_P, PP3.

CeGaT Center for Human Genetics Tuebingen
Classification: Uncertain significance. Last evaluated: 2025-04-01. Review status: criteria provided, single submitter. Criteria: CeGaT Center For Human Genetics Tuebingen Variant Classification Criteria Version 2. Collection method: clinical testing. Allele origin: germline. Affected: yes. Observed: 1 variant allele.

Molecular Diagnostics Laboratory, Catalan Institute of Oncology
Classification: Uncertain significance for Hereditary cancer-predisposing syndrome. Last evaluated: 2025-03-26. Review status: criteria provided, single submitter. Criteria: ClinGen CRC ACMG Specifications MSH6 V1.0.0. Collection method: clinical testing. Allele origin: germline.
Comment: The c.3334G>A variant, located in exon 5 of the MSH6 gene, is predicted to result in the substitution of aspartic acid by asparagine at codon 1112; p.(Asp1112Asn). This variant is found in 76/1613996 alleles at a frequency of 0,0047% in the gnomAD v4 database, with a filter allele frequency of 0.0056% (European non-Finnish dataset). Computational tools for this variant suggests no significant impact on splicing (SpliceAI) but the effect of the variant on protein function is indeterminate (MAPP+PolyPhen-2 prior probability for pathogenicity: 0.590). To our knowledge, neither clinical data nor functional studies have not been reported for this variant In addition, the variant has been reported in ClinVar (11x uncertain significance, 3x likely benign), LOVD (1x uncertain significance, 2x not classified) but has not been identified in the InSiGHT database. Based on currently available information, the variant The c.3334G>A is classified as an uncertain significance variant according to ClinGen_CRC_ACMG_Specifications_MSH6_v1.0.0.

Center for Genomic Medicine, Rigshospitalet, Copenhagen University Hospital
Classification: Uncertain significance. Last evaluated: 2025-03-04. Review status: criteria provided, single submitter. Criteria: ACMG Guidelines, 2015. Collection method: clinical testing. Allele origin: germline.

Myriad Genetics, Inc.
Classification: Likely benign for Lynch syndrome 5. Last evaluated: 2025-01-06. Review status: criteria provided, single submitter. Criteria: Myriad Autosomal Dominant, Autosomal Recessive and X-Linked Classification Criteria (2023). Collection method: clinical testing. Allele origin: unknown.
Comment: This variant is considered likely benign. This variant is strongly associated with less severe personal and family histories of cancer, typical for individuals without pathogenic variants in this gene [PMID: 27363726].

Color Diagnostics, LLC DBA Color Health
Classification: Uncertain significance for Hereditary cancer-predisposing syndrome. Last evaluated: 2024-10-02. Review status: criteria provided, single submitter. Criteria: ACMG Guidelines, 2015. Collection method: clinical testing. Allele origin: germline.
Comment: This missense variant replaces aspartic acid with asparagine at codon 1112 of the MSH6 protein. Computational prediction suggests that this variant may have deleterious impact on protein structure and function (internally defined REVEL score threshold >= 0.7, PMID: 27666373). To our knowledge, functional studies have not been reported for this variant. This variant has been reported in an individual affected with colorectal or polyps (PMID: 31422818). This variant has been identified in 8/282750 chromosomes in the general population by the Genome Aggregation Database (gnomAD). The available evidence is insufficient to determine the role of this variant in disease conclusively. Therefore, this variant is classified as a Variant of Uncertain Significance.

Ambry Genetics
Classification: Uncertain significance for Hereditary cancer-predisposing syndrome. Last evaluated: 2024-06-30. Review status: criteria provided, single submitter. Criteria: Ambry Variant Classification Scheme 2023. Collection method: clinical testing. Allele origin: germline.
Comment: The p.D1112N variant (also known as c.3334G>A), located in coding exon 5 of the MSH6 gene, results from a G to A substitution at nucleotide position 3334. The aspartic acid at codon 1112 is replaced by asparagine, an amino acid with highly similar properties. This alteration was detected in a study of 1,165 individuals with a history of colorectal cancer or colon polyps as well as 590 controls (Gordon AS et al. Am J Hum Genet, 2019 09;105:526-533). This amino acid position is well conserved in available vertebrate species. In addition, the in silico prediction for this alteration is inconclusive. Since supporting evidence is limited at this time, the clinical significance of this alteration remains unclear.

Molecular Pathology, Peter Maccallum Cancer Centre
Classification: Uncertain significance for Lynch syndrome 5. Last evaluated: 2024-06-07. Review status: criteria provided, single submitter. Criteria: ACMG Guidelines, 2015. Collection method: clinical testing. Allele origin: germline. Inheritance: Autosomal dominant inheritance.

Women's Health and Genetics/Laboratory Corporation of America, LabCorp
Classification: Uncertain significance. Last evaluated: 2024-03-26. Review status: criteria provided, single submitter. Criteria: LabCorp Variant Classification Summary - May 2015. Collection method: clinical testing. Allele origin: germline.
Comment: Variant summary: MSH6 c.3334G>A (p.Asp1112Asn) results in a conservative amino acid change in the encoded protein sequence. Three of five in-silico tools predict a damaging effect of the variant on protein function. The variant allele was found at a frequency of 4.7e-05 in 1613996 control chromosomes. This frequency is not significantly higher than estimated for a pathogenic variant in MSH6 causing Hereditary Nonpolyposis Colorectal Cancer/Lynch syndrome (4.7e-05 vs 0.00014), allowing no conclusion about variant significance. To our knowledge, no occurrence of c.3334G>A in individuals affected with Hereditary Nonpolyposis Colorectal Cancer/Lynch syndrome and no experimental evidence demonstrating its impact on protein function have been reported. The following publication has been ascertained in the context of this evaluation (PMID: 26689913). ClinVar contains an entry for this variant (Variation ID: 220784). Based on the evidence outlined above, the variant was classified as uncertain significance.

GeneDx
Classification: Uncertain significance. Last evaluated: 2024-03-15. Review status: criteria provided, single submitter. Criteria: GeneDx Variant Classification Process June 2021. Collection method: clinical testing. Allele origin: germline. Affected: yes.
Comment: In silico analysis supports that this missense variant has a deleterious effect on protein structure/function; This variant is associated with the following publications: (PMID: 33471991, 31422818, 17531815, 21120944, 26689913)

Baylor Genetics
Classification: Uncertain significance for Endometrial carcinoma. Last evaluated: 2023-10-19. Review status: criteria provided, single submitter. Criteria: ACMG Guidelines, 2015. Collection method: clinical testing. Allele origin: unknown.